The following is an entry in ClinVar:

ClinVar aggregate classification (germline): Uncertain significance (1 of 4 stars; one submission).

gnomAD v4.1: 1 of 1,614,120 alleles (0.000062%); highest among the groups gnomAD compares: Non-Finnish European, 0.000085%; no homozygotes.

Submission:

Labcorp Genetics (formerly Invitae), Labcorp
Classification: Uncertain significance. Last evaluated: 2023-07-30. Review status: criteria provided, single submitter. Criteria: Invitae Variant Classification Sherloc (09022015). Collection method: clinical testing. Allele origin: germline.
Comment: In summary, the available evidence is currently insufficient to determine the role of this variant in disease. Therefore, it has been classified as a Variant of Uncertain Significance. Advanced modeling of protein sequence and biophysical properties (such as structural, functional, and spatial information, amino acid conservation, physicochemical variation, residue mobility, and thermodynamic stability) performed at Invitae indicates that this missense variant is expected to disrupt FBN3 protein function. This variant has not been reported in the literature in individuals affected with FBN3-related conditions. This variant is not present in population databases (gnomAD no frequency). This sequence change replaces cysteine, which is neutral and slightly polar, with arginine, which is basic and polar, at codon 2496 of the FBN3 protein (p.Cys2496Arg).

NM_032447.5(FBN3):c.7486T>C (p.Cys2496Arg)

Gene: FBN3 (fibrillin 3; minus strand). Cytogenetic location: 19p13.2.
Variant type: single nucleotide variant.
Coding change: c.7486T>C on transcript NM_032447.5 (MANE Select); coding-DNA position 7486, T replaced by C.
Protein change: p.Cys2496Arg; replaces cysteine 2496 with arginine.
Molecular consequence: missense variant.
Genome position (GRCh38, 1-based): chr19:8,075,379, A>G on the plus strand (T>C on the coding strand, the complement: FBN3 is on the minus strand). VCF-style: chr19-8075379-A-G. GRCh37 (hg19) VCF-style: chr19-8140263-A-G.
Other names: c.7486T>C, p.Cys2496Arg (NM_001321431.2); short protein forms C2496R.
Identifiers: ClinVar variation 2962804 (VCV002962804.3), dbSNP rs2512544120, ClinGen allele CA403702503.